The following is an entry in ClinVar:

NM_001039141.3(TRIOBP):c.1304G>A (p.Arg435Gln)

Gene: TRIOBP (TRIO and F-actin binding protein; plus strand). Cytogenetic location: 22q13.1.
Variant type: single nucleotide variant.
Coding change: c.1304G>A on transcript NM_001039141.3 (MANE Select); coding-DNA position 1304, G replaced by A.
Protein change: p.Arg435Gln; replaces arginine 435 with glutamine.
Molecular consequence: missense variant.
Genome position (GRCh38, 1-based): chr22:37,723,860, G>A. VCF-style: chr22-37723860-G-A. GRCh37 (hg19) VCF-style: chr22-38119867-G-A.
Other names: short protein forms R435Q.
Identifiers: ClinVar variation 1357513 (VCV001357513.8), dbSNP rs756331609, ClinGen allele CA10223573.
Genomic context (GRCh38, chr22:37,723,860, plus strand): 5'-CCAGAACCTCCTCTCCCAATAGAGCCACACGAGACAACCCCAGAACATCCTGCGCCCAGC[G>A]GGACAATCCCAGAGCCTCCTCTCCCAGTAGAGCTACACGAGACAACCCCACAACATCCTG-3'
Protein context (NP_001034230.1, residues 425-445): RDNPRTSCAQ[Arg435Gln]DNPRASSPSR

ClinVar aggregate classification (germline): Uncertain significance (1 of 4 stars; one submission).

Allele frequency attached by ClinVar (database versions not stated): gnomAD 0.00001 and 0.00002; gnomAD exomes 0.00001; ExAC 0.00002.
gnomAD v4.1: 20 of 1,580,488 alleles (0.0013%); highest among the groups gnomAD compares: African/African-American, 0.0029%; no homozygotes.

Submission:

Labcorp Genetics (formerly Invitae), Labcorp
Classification: Uncertain significance. Last evaluated: 2022-07-06. Review status: criteria provided, single submitter. Criteria: Invitae Variant Classification Sherloc (09022015). Collection method: clinical testing. Allele origin: germline.
Comment: This variant has not been reported in the literature in individuals affected with TRIOBP-related conditions. This variant is present in population databases (rs756331609, gnomAD 0.004%). In summary, the available evidence is currently insufficient to determine the role of this variant in disease. Therefore, it has been classified as a Variant of Uncertain Significance. Algorithms developed to predict the effect of sequence changes on RNA splicing suggest that this variant may create or strengthen a splice site. Algorithms developed to predict the effect of missense changes on protein structure and function output the following: SIFT: "Deleterious"; PolyPhen-2: "Benign"; Align-GVGD: "Class C0". The glutamine amino acid residue is found in multiple mammalian species, which suggests that this missense change does not adversely affect protein function. ClinVar contains an entry for this variant (Variation ID: 1357513). This sequence change replaces arginine, which is basic and polar, with glutamine, which is neutral and polar, at codon 435 of the TRIOBP protein (p.Arg435Gln).